The following is an entry in ClinVar:

ClinVar aggregate classification (germline): Uncertain significance (1 of 4 stars; one submission).

Conditions:
Brugada syndrome 4 (BRGDA4). Identifiers: Orphanet 130, MedGen C2678477, MONDO:0012743, OMIM 611876.

Allele frequency attached by ClinVar (database versions not stated): gnomAD exomes below 0.00001; TOPMed below 0.00001; ExAC 0.00001; ESP Exome Variant Server 0.00008.
gnomAD v4.1: 1 of 1,613,190 alleles (0.000062%); highest among the groups gnomAD compares: Non-Finnish European, 0.000085%; no homozygotes.

Submission:

Labcorp Genetics (formerly Invitae), Labcorp
Classification: Uncertain significance for Brugada syndrome 4. Last evaluated: 2018-01-24. Review status: criteria provided, single submitter. Criteria: Invitae Variant Classification Sherloc (09022015). Collection method: clinical testing. Allele origin: germline.
Comment: Algorithms developed to predict the effect of missense changes on protein structure and function do not agree on the potential impact of this missense change (SIFT: "Deleterious"; PolyPhen-2: "Possibly Damaging"; Align-GVGD: "Class C0"). This sequence change replaces aspartic acid with glycine at codon 584 of the CACNB2 protein (p.Asp584Gly). The aspartic acid residue is moderately conserved and there is a moderate physicochemical difference between aspartic acid and glycine. This variant is present in population databases (rs372277783, ExAC 0.002%). This variant has not been reported in the literature in individuals with CACNB2-related disease. In summary, the available evidence is currently insufficient to determine the role of this variant in disease. Therefore, it has been classified as a Variant of Uncertain Significance.

NM_201596.3(CACNB2):c.1913A>G (p.Asp638Gly)

Gene: CACNB2 (calcium voltage-gated channel auxiliary subunit beta 2; plus strand). Cytogenetic location: 10p12.31.
Variant type: single nucleotide variant.
Coding change: c.1913A>G on transcript NM_201596.3 (MANE Select); coding-DNA position 1913, A replaced by G.
Protein change: p.Asp638Gly; replaces aspartic acid 638 with glycine.
Molecular consequence: missense variant.
Genome position (GRCh38, 1-based): chr10:18,539,654, A>G. VCF-style: chr10-18539654-A-G. GRCh37 (hg19) VCF-style: chr10-18828583-A-G.
Other names: c.1748A>G, p.Asp583Gly (NM_000724.4); c.1715A>G, p.Asp572Gly (NM_001167945.2); c.1634A>G, p.Asp545Gly (NM_001330060.2); c.1769A>G, p.Asp590Gly (NM_201570.3); c.1829A>G, p.Asp610Gly (NM_201571.4); c.1757A>G, p.Asp586Gly (NM_201572.4); c.1751A>G, p.Asp584Gly (NM_201590.3); c.1799A>G, p.Asp600Gly (NM_201593.3); and 1 more; short protein forms D584G, D638G, D590G, D600G, D610G, D545G, D572G, D583G.
Identifiers: ClinVar variation 578881 (VCV000578881.8), dbSNP rs372277783, ClinGen allele CA5430204.